The following is an entry in ClinVar:

ClinVar aggregate classification (germline): Likely pathogenic (1 of 4 stars; one submission).

gnomAD v4.1: 12 of 1,613,316 alleles (0.00074%); highest among the groups gnomAD compares: African/African-American, 0.0013%; no homozygotes.

Submissions (2):

Labcorp Genetics (formerly Invitae), Labcorp
Classification: Likely pathogenic. Last evaluated: 2025-11-25. Review status: criteria provided, single submitter. Criteria: Invitae Variant Classification Sherloc (09022015). Collection method: clinical testing. Allele origin: germline.
Comment: This sequence change affects a donor splice site in intron 3 of the RNF168 gene. It is expected to disrupt RNA splicing. Variants that disrupt the donor or acceptor splice site typically lead to a loss of protein function (PMID: 16199547), and loss-of-function variants in RNF168 are known to be pathogenic (PMID: 19203578, 21394101). This variant is present in population databases (rs371768338, gnomAD 0.003%). This variant has not been reported in the literature in individuals affected with RNF168-related conditions. ClinVar contains an entry for this variant (Variation ID: 3625919). Algorithms developed to predict the effect of sequence changes on RNA splicing suggest that this variant may disrupt the consensus splice site. In summary, the currently available evidence indicates that the variant is pathogenic, but additional data are needed to prove that conclusively. Therefore, this variant has been classified as Likely Pathogenic.

Dr. Peter K. Rogan Lab, Western University
No classification provided (evidence only). Condition: Familial cancer of breast. Review status: no classification provided. Collection method: in vitro. Allele origin: not applicable. Functional consequence: retained intron. Not counted in ClinVar's aggregate classification.

Literature cited by the submitters: PubMed 16199547 (cited by Labcorp Genetics (formerly Invitae), Labcorp); PubMed 19203578 (cited by Labcorp Genetics (formerly Invitae), Labcorp); PubMed 21394101 (cited by Labcorp Genetics (formerly Invitae), Labcorp).

NM_152617.4(RNF168):c.558+1G>A

Gene: RNF168 (ring finger protein 168; minus strand). Cytogenetic location: 3q29.
Variant type: single nucleotide variant.
Coding change: c.558+1G>A on transcript NM_152617.4 (MANE Select); the canonical splice donor site of the intron after coding-DNA position 558, G replaced by A.
Molecular consequence: splice donor variant.
Genome position (GRCh38, 1-based): chr3:196,487,398, C>T on the plus strand (G>A on the coding strand, the complement: RNF168 is on the minus strand). VCF-style: chr3-196487398-C-T. GRCh37 (hg19) VCF-style: chr3-196214269-C-T.
Identifiers: ClinVar variation 3625919 (VCV003625919.3).